The following is an entry in ClinVar:

ClinVar aggregate classification (germline): Pathogenic (1 of 4 stars; one submission).

Conditions:
Inborn genetic diseases. Identifiers: MedGen C0950123, MeSH D030342.

Submission:

Ambry Genetics
Classification: Pathogenic for Inborn genetic diseases. Last evaluated: 2017-12-18. Review status: criteria provided, single submitter. Criteria: Ambry Variant Classification Scheme 2023. Collection method: clinical testing. Allele origin: germline.
Comment: The p.Q389* pathogenic mutation (also known as c.1165C>T), located in coding exon 11 of the CDKL5 gene, results from a C to T substitution at nucleotide position 1165. This changes the amino acid from a glutamine to a stop codon within coding exon 11. This alteration is expected to result in loss of function by premature protein truncation or nonsense-mediated mRNA decay. As such, this alteration is interpreted as a disease-causing mutation.

NM_001323289.2(CDKL5):c.1165C>T (p.Gln389Ter)

Gene: CDKL5 (cyclin dependent kinase like 5; plus strand). Cytogenetic location: Xp22.13.
Variant type: single nucleotide variant.
Coding change: c.1165C>T on transcript NM_001323289.2 (MANE Select); coding-DNA position 1165, C replaced by T.
Protein change: p.Gln389Ter; replaces glutamine 389 with a stop codon.
Molecular consequence: nonsense.
Genome position (GRCh38, 1-based): chrX:18,604,089, C>T. VCF-style: chrX-18604089-C-T. GRCh37 (hg19) VCF-style: chrX-18622209-C-T.
Other names: c.1165C>T, p.Gln389Ter (NM_001037343.2, NM_003159.3); short protein forms Q389*.
Identifiers: ClinVar variation 590188 (VCV000590188.5), dbSNP rs1569219346, ClinGen allele CA412359749.
Genomic context (GRCh38, chrX:18,604,089, plus strand): 5'-GGAAACCTTGCTGGAGCTAGTCTTAGTCCACTGCACACCAAAACCTACCAAGCAAGCAGC[C>T]AGCCTGGGTCTACCAGCAAAGATCTCACCAACAACAACATACCACACCTTCTTAGCCCAA-3'